The following is an entry in ClinVar:

ClinVar aggregate classification (germline): Uncertain significance (1 of 4 stars; one submission).

Conditions:
PACS2-related disorder. Also called: PACS2-related condition.

Allele frequency attached by ClinVar (database versions not stated): TOPMed below 0.00001.
gnomAD v4.1: 3 of 1,608,488 alleles (0.00019%); highest among the groups gnomAD compares: Non-Finnish European, 0.00025%; no homozygotes.

Submission:

PreventionGenetics, part of Exact Sciences
Classification: Uncertain significance for PACS2-related condition. Last evaluated: 2023-09-17. Review status: criteria provided, single submitter. Criteria: ACMG Guidelines, 2015. Collection method: clinical testing. Allele origin: germline.
Comment: The PACS2 c.1792G>A variant is predicted to result in the amino acid substitution p.Val598Met. This variant has been reported in a patient with a complex phenotype and hearing loss (Case 2, Neagu et al. 2022. PubMed ID: 36143929). Of note, that patient also had a variant in the SYT2 gene. This variant has not been reported in a large population database, indicating this variant is rare. At this time, the clinical significance of this variant is uncertain due to the absence of conclusive functional and genetic evidence.

NM_001100913.3(PACS2):c.1792G>A (p.Val598Met)

Gene: PACS2 (phosphofurin acidic cluster sorting protein 2; plus strand). Cytogenetic location: 14q32.33.
Variant type: single nucleotide variant.
Coding change: c.1792G>A on transcript NM_001100913.3 (MANE Select); coding-DNA position 1792, G replaced by A.
Protein change: p.Val598Met; replaces valine 598 with methionine.
Molecular consequence: missense variant.
Genome position (GRCh38, 1-based): chr14:105,384,364, G>A. VCF-style: chr14-105384364-G-A. GRCh37 (hg19) VCF-style: chr14-105850701-G-A.
Other names: c.1555G>A, p.Val519Met (NM_001243127.3); c.1780G>A, p.Val594Met (NM_015197.4); short protein forms V519M, V594M, V598M.
Identifiers: ClinVar variation 2632977 (VCV002632977.1), dbSNP rs781953013, ClinGen allele CA391183981.